The following is an entry in ClinVar:

NM_005097.4(LGI1):c.451C>T (p.Leu151Phe)

Gene: LGI1 (leucine rich glioma inactivated 1; plus strand). Cytogenetic location: 10q23.33.
Variant type: single nucleotide variant.
Coding change: c.451C>T on transcript NM_005097.4 (MANE Select); coding-DNA position 451, C replaced by T.
Protein change: p.Leu151Phe; replaces leucine 151 with phenylalanine.
Molecular consequence: missense variant. On other transcripts: non-coding transcript variant (1).
Genome position (GRCh38, 1-based): chr10:93,790,118, C>T. VCF-style: chr10-93790118-C-T. GRCh37 (hg19) VCF-style: chr10-95549875-C-T.
Other names: c.451C>T, p.Leu151Phe (NM_001308275.2); c.307C>T, p.Leu103Phe (NM_001308276.2); short protein forms L103F, L151F.
Identifiers: ClinVar variation 3603073 (VCV003603073.1).
Genomic context (GRCh38, chr10:93,790,118, plus strand): 5'-TATCACTACAGTTTACATCACCTTTTTTTTTTTTTTTCCAGGAGCCTTGCAAACAACAAT[C>T]TCCAGACACTCCCAAAAGATATTTTCAAAGGCCTGGATTCTTTAACAAATGTGTAAGAGG-3'
Protein context (NP_005088.1, residues 141-161): LIHLSLANNN[Leu151Phe]QTLPKDIFKG

ClinVar aggregate classification (germline): Uncertain significance (1 of 4 stars; one submission).

Submission:

GeneDx
Classification: Uncertain significance. Last evaluated: 2024-08-05. Review status: criteria provided, single submitter. Criteria: GeneDx Variant Classification Process June 2021. Collection method: clinical testing. Allele origin: germline. Affected: yes.
Comment: Not observed at significant frequency in large population cohorts (gnomAD); In silico analysis supports that this missense variant has a deleterious effect on protein structure/function; Has not been previously published as pathogenic or benign to our knowledge